The following is an entry in ClinVar:

ClinVar aggregate classification (germline): Uncertain significance. Review status: criteria provided, multiple submitters, no conflicts (2 of 4 stars). 2 submissions from 2 submitters: Uncertain significance (2). Last evaluated 2025-07-20.

Allele frequency attached by ClinVar (database versions not stated): ExAC 0.00001; gnomAD exomes 0.00001; gnomAD 0.00003.
gnomAD v4.1: 19 of 1,613,610 alleles (0.0012%); highest among the groups gnomAD compares: Admixed American, 0.0033%; no homozygotes.

Submissions (2):

GeneDx
Classification: Uncertain significance. Last evaluated: 2025-07-20. Review status: criteria provided, single submitter. Criteria: GeneDx Variant Classification Process June 2021. Collection method: clinical testing. Allele origin: germline. Affected: yes.
Comment: In silico analysis supports that this missense variant has a deleterious effect on protein structure/function; Has not been previously published as pathogenic or benign to our knowledge

Labcorp Genetics (formerly Invitae), Labcorp
Classification: Uncertain significance. Last evaluated: 2022-07-30. Review status: criteria provided, single submitter. Criteria: Invitae Variant Classification Sherloc (09022015). Collection method: clinical testing. Allele origin: germline.
Comment: This sequence change replaces proline, which is neutral and non-polar, with leucine, which is neutral and non-polar, at codon 848 of the PCLO protein (p.Pro848Leu). This variant is present in population databases (rs757147395, gnomAD 0.006%). This variant has not been reported in the literature in individuals affected with PCLO-related conditions. Algorithms developed to predict the effect of missense changes on protein structure and function are either unavailable or do not agree on the potential impact of this missense change (SIFT: "Deleterious"; PolyPhen-2: "Not Available"; Align-GVGD: "Class C0"). In summary, the available evidence is currently insufficient to determine the role of this variant in disease. Therefore, it has been classified as a Variant of Uncertain Significance.

NM_033026.6(PCLO):c.2543C>T (p.Pro848Leu)

Gene: PCLO (piccolo presynaptic cytomatrix protein; minus strand). Cytogenetic location: 7q21.11.
Variant type: single nucleotide variant.
Coding change: c.2543C>T on transcript NM_033026.6 (MANE Select); coding-DNA position 2543, C replaced by T.
Protein change: p.Pro848Leu; replaces proline 848 with leucine.
Molecular consequence: missense variant.
Genome position (GRCh38, 1-based): chr7:83,135,007, G>A on the plus strand (C>T on the coding strand, the complement: PCLO is on the minus strand). VCF-style: chr7-83135007-G-A. GRCh37 (hg19) VCF-style: chr7-82764323-G-A.
Other names: c.2543C>T (NM_033026.5); c.2543C>T, p.Pro848Leu (NM_014510.3); short protein forms P848L.
Identifiers: ClinVar variation 2414190 (VCV002414190.4), dbSNP rs757147395, ClinGen allele CA4321249.